The following is an entry in ClinVar:

NM_012418.4(FSCN2):c.620G>A (p.Arg207His)

Gene: FSCN2 (fascin actin-bundling protein 2, retinal; plus strand). Cytogenetic location: 17q25.3.
Variant type: single nucleotide variant.
Coding change: c.620G>A on transcript NM_012418.4 (MANE Select); coding-DNA position 620, G replaced by A.
Protein change: p.Arg207His; replaces arginine 207 with histidine.
Molecular consequence: missense variant.
Genome position (GRCh38, 1-based): chr17:81,529,151, G>A. VCF-style: chr17-81529151-G-A. GRCh37 (hg19) VCF-style: chr17-79496177-G-A.
Other names: c.620G>A (NM_001077182.2); c.620G>A, p.Arg207His (NM_001077182.3); short protein forms R207H.
Identifiers: ClinVar variation 1482325 (VCV001482325.9), dbSNP rs1442632941, ClinGen allele CA401472059.
Genomic context (GRCh38, chr17:81,529,151, plus strand): 5'-AGTCCTGTGACAGCCGCTACCTGCGCAGCGACGGCCGTCTGGTCTGGGAGCCTGAGCCCC[G>A]TGCCTGCTACACGCTGGAGTTCAAGGCGGGCAAGCTGGCCTTCAAGGACTGCGACGGCCA-3'
Protein context (NP_036550.1, residues 197-217): DGRLVWEPEP[Arg207His]ACYTLEFKAG

ClinVar aggregate classification (germline): Uncertain significance. Review status: criteria provided, multiple submitters, no conflicts (2 of 4 stars). 2 submissions from 2 submitters: Uncertain significance (2). Last evaluated 2025-04-24.

Allele frequency attached by ClinVar (database versions not stated): gnomAD exomes 0.00001; TOPMed 0.00001.
gnomAD v4.1: 20 of 1,585,658 alleles (0.0013%); highest among the groups gnomAD compares: East Asian, 0.0023%; no homozygotes.

Submissions (2):

Ambry Genetics
Classification: Uncertain significance. Last evaluated: 2025-04-24. Review status: criteria provided, single submitter. Criteria: Ambry Variant Classification Scheme 2023. Collection method: clinical testing. Allele origin: germline.

Labcorp Genetics (formerly Invitae), Labcorp
Classification: Uncertain significance. Last evaluated: 2024-07-08. Review status: criteria provided, single submitter. Criteria: Invitae Variant Classification Sherloc (09022015). Collection method: clinical testing. Allele origin: germline.
Comment: This sequence change replaces arginine, which is basic and polar, with histidine, which is basic and polar, at codon 207 of the FSCN2 protein (p.Arg207His). The frequency data for this variant in the population databases is considered unreliable, as metrics indicate poor data quality at this position in the gnomAD database. This variant has not been reported in the literature in individuals affected with FSCN2-related conditions. ClinVar contains an entry for this variant (Variation ID: 1482325). Algorithms developed to predict the effect of missense changes on protein structure and function output the following: SIFT: "Not Available"; PolyPhen-2: "Benign"; Align-GVGD: "Not Available". The histidine amino acid residue is found in multiple mammalian species, which suggests that this missense change does not adversely affect protein function. In summary, the available evidence is currently insufficient to determine the role of this variant in disease. Therefore, it has been classified as a Variant of Uncertain Significance.